The following is an entry in ClinVar:

NM_198239.2(CCN6):c.116C>A (p.Ser39Ter)

Gene: CCN6 (cellular communication network factor 6; plus strand). Cytogenetic location: 6q21.
Variant type: single nucleotide variant.
Coding change: c.116C>A on transcript NM_198239.2 (MANE Select); coding-DNA position 116, C replaced by A.
Protein change: p.Ser39Ter; replaces serine 39 with a stop codon.
Molecular consequence: nonsense. On other transcripts: non-coding transcript variant (2).
Genome position (GRCh38, 1-based): chr6:112,061,058, C>A. VCF-style: chr6-112061058-C-A. GRCh37 (hg19) VCF-style: chr6-112382261-C-A.
Other names: c.116C>A, p.Ser39Ter (NM_003880.4); short protein forms S39*.
Identifiers: ClinVar variation 2965678 (VCV002965678.4), dbSNP rs2546919773, ClinGen allele CA365368432.
Genomic context (GRCh38, chr6:112,061,058, plus strand): 5'-GCAGGGTACAGGGCACTGGACCATTAGATACAACACCTGAAGGAAGGCCTGGAGAAGTGT[C>A]AGATGCACCTCAGCGTAAACAGTTTTGTCACTGGCCCTGCAAATGCCCTCAGCAGAAGCC-3'

ClinVar aggregate classification (germline): Pathogenic. Review status: criteria provided, multiple submitters, no conflicts (2 of 4 stars). 2 submissions from 2 submitters: Pathogenic (2). Last evaluated 2025-10-05.

Conditions:
Progressive pseudorheumatoid dysplasia (PPRD). Also called: Progressive Pseudorheumatoid Arthropathy of Childhood; SPONDYLOEPIPHYSEAL DYSPLASIA TARDA WITH PROGRESSIVE ARTHROPATHY. Identifiers: Orphanet 1159, MedGen C0432215, MONDO:0008827, OMIM 208230. Disease mechanism: loss of function.

Allele frequency attached by ClinVar (database versions not stated): gnomAD exomes below 0.00001.
gnomAD v4.1: 1 of 1,614,140 alleles (0.000062%); highest among the groups gnomAD compares: Non-Finnish European, 0.000085%; no homozygotes.

Submissions (2):

Clinical Biomedical Laboratory, Shriners Hospital For Children - Canada
Classification: Pathogenic for Progressive pseudorheumatoid dysplasia. Last evaluated: 2025-10-05. Review status: criteria provided, single submitter. Criteria: ACMG Guidelines, 2015. Collection method: clinical testing. Allele origin: germline. Affected: yes.
Comment: This variant is predicted to introduce a premature stop codon and therefore lead to loss of function. Autosomal recessive loss of function variants in CCN6 are associated with progressive pseudorheumatoid dysplasia (OMIM 208230). This variant is absent from the Genome Aggregation Database (v2.1.1). This variant has been reported in the literature (PMID 31628567, 22791401).

Labcorp Genetics (formerly Invitae), Labcorp
Classification: Pathogenic. Last evaluated: 2023-08-08. Review status: criteria provided, single submitter. Criteria: Invitae Variant Classification Sherloc (09022015). Collection method: clinical testing. Allele origin: germline.
Comment: For these reasons, this variant has been classified as Pathogenic. This variant is also known as c.170C>A (p.Ser57*). This premature translational stop signal has been observed in individual(s) with progressive pseudorheumatoid chondrodysplasia (PMID: 31628567). This variant is not present in population databases (gnomAD no frequency). This sequence change creates a premature translational stop signal (p.Ser39*) in the WISP3 gene. It is expected to result in an absent or disrupted protein product. Loss-of-function variants in WISP3 are known to be pathogenic (PMID: 22791401).

Literature cited by the submitters: PubMed 31628567 (cited by Clinical Biomedical Laboratory, Shriners Hospital For Children - Canada and Labcorp Genetics (formerly Invitae), Labcorp); PubMed 22791401 (cited by Clinical Biomedical Laboratory, Shriners Hospital For Children - Canada and Labcorp Genetics (formerly Invitae), Labcorp).